The following is an entry in ClinVar:

ClinVar aggregate classification (germline): Likely benign. Review status: criteria provided, multiple submitters, no conflicts (2 of 4 stars). 2 submissions from 2 submitters: Likely benign (2). Last evaluated 2026-08-02.

Conditions:
BBS2-related disorder. Also called: BBS2-related condition; BBS2-related disorders. Identifiers: MedGen CN239228.
Bardet-Biedl syndrome (BBS). Identifiers: Orphanet 110, MedGen C0752166, MONDO:0015229.

gnomAD v4.1: 2 of 1,613,980 alleles (0.00012%); highest among the groups gnomAD compares: Non-Finnish European, 0.00017%; no homozygotes.

Submissions (2):

PreventionGenetics, part of Exact Sciences
Classification: Likely benign for BBS2-related condition. Last evaluated: 2026-08-02. Review status: criteria provided, single submitter. Criteria: ACMG Guidelines, 2015. Collection method: clinical testing. Allele origin: germline.
Comment: This variant is classified as likely benign based on ACMG/AMP sequence variant interpretation guidelines (Richards et al. 2015 PMID: 25741868, with internal and published modifications).

Labcorp Genetics (formerly Invitae), Labcorp
Classification: Likely benign for Bardet-Biedl syndrome. Last evaluated: 2023-04-19. Review status: criteria provided, single submitter. Criteria: Invitae Variant Classification Sherloc (09022015). Collection method: clinical testing. Allele origin: germline.

NM_031885.5(BBS2):c.399C>T (p.Ser133=)

Gene: BBS2 (Bardet-Biedl syndrome 2; minus strand). Cytogenetic location: 16q13.
Variant type: single nucleotide variant.
Coding change: c.399C>T on transcript NM_031885.5 (MANE Select); coding-DNA position 399, C replaced by T.
Protein change: p.Ser133=; no amino-acid change (serine 133 retained).
Molecular consequence: synonymous variant. On other transcripts: non-coding transcript variant (5).
Genome position (GRCh38, 1-based): chr16:56,511,231, G>A on the plus strand (C>T on the coding strand, the complement: BBS2 is on the minus strand). VCF-style: chr16-56511231-G-A. GRCh37 (hg19) VCF-style: chr16-56545143-G-A.
Other names: c.399C>T (NM_031885.3); c.399C>T, p.Ser133= (NM_001377456.1).
Identifiers: ClinVar variation 2876341 (VCV002876341.4), dbSNP rs775477661, ClinGen allele CA281484598.
Genomic context (GRCh38, chr16:56,511,231, plus strand): 5'-ATCACTTCCTTCATGATTGAAACCTTGCAGAGCACAATTGCCACCAATAATCGCAAGAGG[G>A]GAAGAAATGTCTCCCAATGTCCCCAGCACAATTGCATTTGCCCCATCTGCTACCTAAGAA-3'
Protein context (NP_114091.4, residues 123-143): IVLGTLGDIS[Ser133=]PLAIIGGNCA